The following is an entry in ClinVar:

NM_000089.4(COL1A2):c.740G>A (p.Gly247Asp)

Gene: COL1A2 (collagen type I alpha 2 chain; plus strand). Cytogenetic location: 7q21.3.
Variant type: single nucleotide variant.
Coding change: c.740G>A on transcript NM_000089.4 (MANE Select); coding-DNA position 740, G replaced by A.
Protein change: p.Gly247Asp; replaces glycine 247 with aspartic acid.
Molecular consequence: missense variant.
Genome position (GRCh38, 1-based): chr7:94,408,771, G>A. VCF-style: chr7-94408771-G-A. GRCh37 (hg19) VCF-style: chr7-94038083-G-A.
Other names: short protein forms G247D.
Identifiers: ClinVar variation 4075361 (VCV004075361.1).

ClinVar aggregate classification (germline): Pathogenic (1 of 4 stars; one submission).

Conditions:
Osteogenesis imperfecta type III (OI3). Also called: Progressively Deforming Osteogenesis Imperfecta; Osteogenesis imperfecta type 3; OI type 3; Osteogenesis imperfecta, progressively deforming with normal sclerae; OI type III. Identifiers: Orphanet 216812, Orphanet 666, MedGen C0268362, MONDO:0009804, OMIM 259420.

Submission:

Clinical Biomedical Laboratory, Shriners Hospital For Children - Canada
Classification: Pathogenic for Osteogenesis imperfecta type III. Last evaluated: 2025-07-16. Review status: criteria provided, single submitter. Criteria: ACMG Guidelines, 2015. Collection method: clinical testing. Allele origin: germline. Affected: yes.
Comment: This variant is predicted to substitute a glycine residue by an aspartic acid residue in the triple helical domain of collagen type I alpha 2 chain. Glycine substitutions in the triple helical domain of collagen type I cause disruption in the formation of the triple helix in the collagen molecule and are a typical cause of osteogenesis imperfecta. In the Genome Aggregation Database v2.1.1 this variant is not present. Prediction tools (REVEL: 0.99) suggest that the change is damaging to protein function. We have observed this variant in the Shriners Hospital for Children variant database in two unrelated individuals diagnosed with osteogenesis imperfecta.